The following is an entry in ClinVar:

ClinVar aggregate classification (germline): Uncertain significance. Review status: criteria provided, multiple submitters, no conflicts (2 of 4 stars). 3 submissions from 3 submitters: Uncertain significance (3). Last evaluated 2022-10-05.

Conditions:
Joubert syndrome 17 (JBTS17). Identifiers: Orphanet 475, MedGen C3553264, MONDO:0013824, OMIM 614615.
Orofaciodigital syndrome type 6 (OFD6). Also called: OROFACIODIGITAL SYNDROME VI; OFDS VI; POLYDACTYLY, CLEFT LIP/PALATE OR LINGUAL LUMP, AND PSYCHOMOTOR RETARDATION; VARADI SYNDROME; VARADI-PAPP SYNDROME; Oral-facial-digital syndrome type 6. Identifiers: Orphanet 2754, MedGen C2745997, MONDO:0010176, OMIM 277170.

Allele frequency attached by ClinVar (database versions not stated): ExAC 0.00004; gnomAD 0.00004 and 0.00005; gnomAD exomes 0.00004; TOPMed 0.00005.
gnomAD v4.1: 189 of 1,610,054 alleles (0.012%); highest among the groups gnomAD compares: Non-Finnish European, 0.016%; no homozygotes.

Submissions (3):

Labcorp Genetics (formerly Invitae), Labcorp
Classification: Uncertain significance. Last evaluated: 2022-10-05. Review status: criteria provided, single submitter. Criteria: Invitae Variant Classification Sherloc (09022015). Collection method: clinical testing. Allele origin: germline.
Comment: This sequence change replaces tyrosine, which is neutral and polar, with histidine, which is basic and polar, at codon 1771 of the CPLANE1 protein (p.Tyr1771His). This variant is present in population databases (rs748355456, gnomAD 0.01%). This variant has not been reported in the literature in individuals affected with CPLANE1-related conditions. ClinVar contains an entry for this variant (Variation ID: 353446). Advanced modeling of protein sequence and biophysical properties (such as structural, functional, and spatial information, amino acid conservation, physicochemical variation, residue mobility, and thermodynamic stability) performed at Invitae indicates that this missense variant is not expected to disrupt CPLANE1 protein function. In summary, the available evidence is currently insufficient to determine the role of this variant in disease. Therefore, it has been classified as a Variant of Uncertain Significance.

Fulgent Genetics
Classification: Uncertain significance for Orofaciodigital syndrome type 6; Joubert syndrome 17. Last evaluated: 2022-03-07. Review status: criteria provided, single submitter. Criteria: ACMG Guidelines, 2015. Collection method: clinical testing. Allele origin: unknown.

Illumina Laboratory Services, Illumina
Classification: Uncertain significance for Joubert syndrome 17. Last evaluated: 2018-01-12. Review status: criteria provided, single submitter. Criteria: ICSL Variant Classification Criteria 13 December 2019. Collection method: clinical testing. Allele origin: germline.

NM_001384732.1(CPLANE1):c.5311T>C (p.Tyr1771His)

Gene: CPLANE1 (ciliogenesis and planar polarity effector complex subunit 1; minus strand). Cytogenetic location: 5p13.2.
Variant type: single nucleotide variant.
Coding change: c.5311T>C on transcript NM_001384732.1 (MANE Select); coding-DNA position 5311, T replaced by C.
Protein change: p.Tyr1771His; replaces tyrosine 1771 with histidine.
Molecular consequence: missense variant.
Genome position (GRCh38, 1-based): chr5:37,182,870, A>G on the plus strand (T>C on the coding strand, the complement: CPLANE1 is on the minus strand). VCF-style: chr5-37182870-A-G. GRCh37 (hg19) VCF-style: chr5-37182972-A-G.
Other names: c.5311T>C, p.Tyr1771His (NM_023073.4); short protein forms Y1771H.
Identifiers: ClinVar variation 353446 (VCV000353446.8), dbSNP rs748355456, ClinGen allele CA3238577.